The following is an entry in ClinVar:

ClinVar aggregate classification (germline): Uncertain significance. Review status: criteria provided, multiple submitters, no conflicts (2 of 4 stars). 2 submissions from 2 submitters: Uncertain significance (2). Last evaluated 2024-02-13.

Conditions:
Inborn genetic diseases. Identifiers: MedGen C0950123, MeSH D030342.

Allele frequency attached by ClinVar (database versions not stated): gnomAD exomes 0.00001 and 0.00002; ExAC 0.00002; gnomAD 0.00009 and 0.00010; TOPMed 0.00009; ESP Exome Variant Server 0.00016.
gnomAD v4.1: 25 of 1,613,546 alleles (0.0015%); highest among the groups gnomAD compares: African/African-American, 0.033%; no homozygotes.

Submissions (2):

Ambry Genetics
Classification: Uncertain significance for Inborn genetic diseases. Last evaluated: 2024-02-13. Review status: criteria provided, single submitter. Criteria: Ambry Variant Classification Scheme 2023. Collection method: clinical testing. Allele origin: germline.

Labcorp Genetics (formerly Invitae), Labcorp
Classification: Uncertain significance. Last evaluated: 2021-09-15. Review status: criteria provided, single submitter. Criteria: Invitae Variant Classification Sherloc (09022015). Collection method: clinical testing. Allele origin: germline.
Comment: This sequence change replaces serine with cysteine at codon 410 of the RETREG1 protein (p.Ser410Cys). The serine residue is moderately conserved and there is a moderate physicochemical difference between serine and cysteine. This variant is present in population databases (rs368977135, ExAC 0.02%). This variant has not been reported in the literature in individuals affected with RETREG1-related conditions. Algorithms developed to predict the effect of missense changes on protein structure and function are either unavailable or do not agree on the potential impact of this missense change (SIFT: "Deleterious"; PolyPhen-2: "Possibly Damaging"; Align-GVGD: "Class C15"). In summary, the available evidence is currently insufficient to determine the role of this variant in disease. Therefore, it has been classified as a Variant of Uncertain Significance.

NM_001034850.3(RETREG1):c.1228A>T (p.Ser410Cys)

Gene: RETREG1 (reticulophagy regulator 1; minus strand). Cytogenetic location: 5p15.1.
Variant type: single nucleotide variant.
Coding change: c.1228A>T on transcript NM_001034850.3 (MANE Select); coding-DNA position 1228, A replaced by T.
Protein change: p.Ser410Cys; replaces serine 410 with cysteine.
Molecular consequence: missense variant.
Genome position (GRCh38, 1-based): chr5:16,475,007, T>A on the plus strand (A>T on the coding strand, the complement: RETREG1 is on the minus strand). VCF-style: chr5-16475007-T-A. GRCh37 (hg19) VCF-style: chr5-16475116-T-A.
Other names: c.805A>T, p.Ser269Cys (NM_019000.5); short protein forms S269C, S410C.
Identifiers: ClinVar variation 1411971 (VCV001411971.5), dbSNP rs368977135, ClinGen allele CA3210228.